The following is an entry in ClinVar:

NM_014874.4(MFN2):c.705G>C (p.Gln235His)

Gene: MFN2 (mitofusin 2; plus strand). Cytogenetic location: 1p36.22.
Variant type: single nucleotide variant.
Coding change: c.705G>C on transcript NM_014874.4 (MANE Select); coding-DNA position 705, G replaced by C.
Protein change: p.Gln235His; replaces glutamine 235 with histidine.
Molecular consequence: missense variant.
Genome position (GRCh38, 1-based): chr1:11,998,875, G>C. VCF-style: chr1-11998875-G-C. GRCh37 (hg19) VCF-style: chr1-12058932-G-C.
Other names: c.705G>C, p.Gln235His (NM_001127660.2); short protein forms Q235H.
Identifiers: ClinVar variation 2017340 (VCV002017340.4), dbSNP rs767601252, ClinGen allele CA338438639.

ClinVar aggregate classification (germline): Pathogenic (1 of 4 stars; one submission).

Conditions:
Charcot-Marie-Tooth disease type 2. Also called: Charcot-Marie-Tooth type 2. Identifiers: Orphanet 64746, MedGen C0270914, MONDO:0018993.

Submission:

Labcorp Genetics (formerly Invitae), Labcorp
Classification: Pathogenic for Charcot-Marie-Tooth disease type 2. Last evaluated: 2022-08-23. Review status: criteria provided, single submitter. Criteria: Invitae Variant Classification Sherloc (09022015). Collection method: clinical testing. Allele origin: germline.
Comment: This missense change has been observed in individual(s) with clinical features of autosomal dominant Charcot-Marie-Tooth disease (PMID: 25850958). In at least one individual the variant was observed to be de novo. Advanced modeling of protein sequence and biophysical properties (such as structural, functional, and spatial information, amino acid conservation, physicochemical variation, residue mobility, and thermodynamic stability) performed at Invitae indicates that this missense variant is expected to disrupt MFN2 protein function. For these reasons, this variant has been classified as Pathogenic. This variant is not present in population databases (gnomAD no frequency). This sequence change replaces glutamine, which is neutral and polar, with histidine, which is basic and polar, at codon 235 of the MFN2 protein (p.Gln235His).

Literature cited by the submitters: PubMed 25850958.